The following is an entry in ClinVar:

NM_033380.3(COL4A5):c.1735G>A (p.Gly579Arg)

Gene: COL4A5 (collagen type IV alpha 5 chain; plus strand). Cytogenetic location: Xq22.3.
Variant type: single nucleotide variant.
Coding change: c.1735G>A on transcript NM_033380.3 (MANE Select); coding-DNA position 1735, G replaced by A.
Protein change: p.Gly579Arg; replaces glycine 579 with arginine.
Molecular consequence: missense variant.
Genome position (GRCh38, 1-based): chrX:108,597,524, G>A. VCF-style: chrX-108597524-G-A. GRCh37 (hg19) VCF-style: chrX-107840754-G-A.
Other names: c.1735G>A, p.Gly579Arg (NM_000495.5); short protein forms G579R.
Identifiers: ClinVar variation 1391700 (VCV001391700.6), dbSNP rs104886139, ClinGen allele CA258530.

ClinVar aggregate classification (germline): Pathogenic (1 of 4 stars; one submission).

Allele frequency attached by ClinVar (database versions not stated): gnomAD exomes below 0.00001.
gnomAD v4.1: 1 of 1,210,485 alleles (0.000083%); highest among the groups gnomAD compares: Non-Finnish European, 0.00011%; no homozygotes.

Submissions (2):

Labcorp Genetics (formerly Invitae), Labcorp
Classification: Pathogenic. Last evaluated: 2021-04-23. Review status: criteria provided, single submitter. Criteria: Invitae Variant Classification Sherloc (09022015). Collection method: clinical testing. Allele origin: germline.
Comment: This variant is not present in population databases (ExAC no frequency). This sequence change replaces glycine with arginine at codon 579 of the COL4A5 protein (p.Gly579Arg). The glycine residue is highly conserved and there is a moderate physicochemical difference between glycine and arginine. For these reasons, this variant has been classified as Pathogenic. This variant disrupts the triple helix domain of COL4A5. Glycine residues within the Gly-Xaa-Yaa repeats of the triple helix domain are required for the structure and stability of fibrillar collagens (PMID: 7695699, 8218237, 19344236). In COL4A5, missense variants at these glycine residues are significantly enriched in individuals with disease (PMID: 23720012, 27627812) compared to the general population (ExAC). Algorithms developed to predict the effect of sequence changes on RNA splicing suggest that this variant may create or strengthen a splice site, but this prediction has not been confirmed by published transcriptional studies. Advanced modeling of protein sequence and biophysical properties (such as structural, functional, and spatial information, amino acid conservation, physicochemical variation, residue mobility, and thermodynamic stability) performed at Invitae indicates that this missense variant is expected to disrupt COL4A5 protein function. This variant has been observed in individual(s) with clinical features of Alport syndrome (PMID: 10094548, Invitae). ClinVar contains an entry for this variant (Variation ID: 24440).

Dr. Peter K. Rogan Lab, Western University
No classification provided (evidence only). Condition: Nonpapillary renal cell carcinoma. Review status: no classification provided. Collection method: in vitro. Allele origin: not applicable. Functional consequence: retained intron. Not counted in ClinVar's aggregate classification.

Literature cited by the submitters: PubMed 7695699 (cited by Labcorp Genetics (formerly Invitae), Labcorp); PubMed 8218237 (cited by Labcorp Genetics (formerly Invitae), Labcorp); PubMed 19344236 (cited by Labcorp Genetics (formerly Invitae), Labcorp); PubMed 23720012 (cited by Labcorp Genetics (formerly Invitae), Labcorp); PubMed 27627812 (cited by Labcorp Genetics (formerly Invitae), Labcorp); PubMed 10094548 (cited by Labcorp Genetics (formerly Invitae), Labcorp).